The following is an entry in ClinVar:

NM_001365951.3(KIF1B):c.3070T>C (p.Ser1024Pro)

Gene: KIF1B (kinesin family member 1B; plus strand). Cytogenetic location: 1p36.22.
Variant type: single nucleotide variant.
Coding change: c.3070T>C on transcript NM_001365951.3 (MANE Select); coding-DNA position 3070, T replaced by C.
Protein change: p.Ser1024Pro; replaces serine 1024 with proline.
Molecular consequence: missense variant.
Genome position (GRCh38, 1-based): chr1:10,336,683, T>C. VCF-style: chr1-10336683-T-C. GRCh37 (hg19) VCF-style: chr1-10396741-T-C.
Other names: c.3070T>C, p.Ser1024Pro (NM_001365952.1); c.2932T>C, p.Ser978Pro (NM_015074.3); short protein forms S1024P, S978P.
Identifiers: ClinVar variation 2865762 (VCV002865762.3), dbSNP rs2521715629, ClinGen allele CA338339316.

ClinVar aggregate classification (germline): Uncertain significance (1 of 4 stars; one submission).

Conditions:
Charcot-Marie-Tooth disease type 2. Also called: Charcot-Marie-Tooth type 2. Identifiers: Orphanet 64746, MedGen C0270914, MONDO:0018993.

Submission:

Labcorp Genetics (formerly Invitae), Labcorp
Classification: Uncertain significance for Charcot-Marie-Tooth disease type 2. Last evaluated: 2023-05-19. Review status: criteria provided, single submitter. Criteria: Invitae Variant Classification Sherloc (09022015). Collection method: clinical testing. Allele origin: germline.
Comment: In summary, the available evidence is currently insufficient to determine the role of this variant in disease. Therefore, it has been classified as a Variant of Uncertain Significance. An algorithm developed to predict the effect of missense changes on protein structure and function (PolyPhen-2) suggests that this variant is likely to be disruptive. This variant has not been reported in the literature in individuals affected with KIF1B-related conditions. This variant is not present in population databases (gnomAD no frequency). This sequence change replaces serine, which is neutral and polar, with proline, which is neutral and non-polar, at codon 978 of the KIF1B protein (p.Ser978Pro).